The following is an entry in ClinVar:

ClinVar aggregate classification (germline): Uncertain significance (1 of 4 stars; one submission).

gnomAD v4.1: 1 of 1,614,052 alleles (0.000062%); highest among the groups gnomAD compares: Non-Finnish European, 0.000085%; no homozygotes.

Submission:

Labcorp Genetics (formerly Invitae), Labcorp
Classification: Uncertain significance. Last evaluated: 2025-03-19. Review status: criteria provided, single submitter. Criteria: Invitae Variant Classification Sherloc (09022015). Collection method: clinical testing. Allele origin: germline.
Comment: This sequence change replaces alanine, which is neutral and non-polar, with serine, which is neutral and polar, at codon 682 of the BUB1 protein (p.Ala682Ser). This variant is not present in population databases (gnomAD no frequency). This variant has not been reported in the literature in individuals affected with BUB1-related conditions. An algorithm developed to predict the effect of missense changes on protein structure and function outputs the following: PolyPhen-2: "Not Available". The serine amino acid residue is found in multiple mammalian species, which suggests that this missense change does not adversely affect protein function. In summary, the available evidence is currently insufficient to determine the role of this variant in disease. Therefore, it has been classified as a Variant of Uncertain Significance.

NM_004336.5(BUB1):c.2044G>T (p.Ala682Ser)

Gene: BUB1 (BUB1 mitotic checkpoint serine/threonine kinase; minus strand). Cytogenetic location: 2q13.
Variant type: single nucleotide variant.
Coding change: c.2044G>T on transcript NM_004336.5 (MANE Select); coding-DNA position 2044, G replaced by T.
Protein change: p.Ala682Ser; replaces alanine 682 with serine.
Molecular consequence: missense variant.
Genome position (GRCh38, 1-based): chr2:110,650,705, C>A on the plus strand (G>T on the coding strand, the complement: BUB1 is on the minus strand). VCF-style: chr2-110650705-C-A. GRCh37 (hg19) VCF-style: chr2-111408282-C-A.
Other names: c.1984G>T, p.Ala662Ser (NM_001278616.2); c.2044G>T, p.Ala682Ser (NM_001278617.2); short protein forms A662S, A682S.
Identifiers: ClinVar variation 4715206 (VCV004715206.1).
Genomic context (GRCh38, chr2:110,650,705, plus strand): 5'-CTGTGAGTCTGCAAGCCTCAACGCCCAACTCTGCCTCACAGGTAAGTACCCCACCTGCAG[C>A]AGGCTGGCTCAGACGAAGTAAGGATGCTGAATACATGTGAGACGACAAGGCCTGTTTTGG-3'
Protein context (NP_004327.1, residues 672-692): SASLLRLSQP[Ala682Ser]AGGVLTCEAE